The following is an entry in ClinVar:

NM_138420.4(AHNAK2):c.6490G>A (p.Gly2164Arg)

Gene: AHNAK2 (AHNAK nucleoprotein 2; minus strand). Cytogenetic location: 14q32.33.
Variant type: single nucleotide variant.
Coding change: c.6490G>A on transcript NM_138420.4 (MANE Select); coding-DNA position 6490, G replaced by A.
Protein change: p.Gly2164Arg; replaces glycine 2164 with arginine.
Molecular consequence: missense variant.
Genome position (GRCh38, 1-based): chr14:104,948,961, C>T on the plus strand (G>A on the coding strand, the complement: AHNAK2 is on the minus strand). VCF-style: chr14-104948961-C-T. GRCh37 (hg19) VCF-style: chr14-105415298-C-T.
Other names: c.6190G>A, p.Gly2064Arg (NM_001350929.2); short protein forms G2164R, G2064R.
Identifiers: ClinVar variation 2352046 (VCV002352046.27), dbSNP rs200342474, ClinGen allele CA7381126.

ClinVar aggregate classification (germline): Conflicting classifications of pathogenicity. Review status: criteria provided, conflicting classifications (1 of 4 stars). 2 submissions from 2 submitters: Uncertain significance (1); Likely benign (1). Last evaluated 2025-05-01.

Allele frequency attached by ClinVar (database versions not stated): 1000 Genomes Project 30x 0.00031; gnomAD exomes 0.00037; 1000 Genomes Project 0.00040; gnomAD 0.00062; ESP Exome Variant Server 0.00064; ExAC 0.00067.
gnomAD v4.1: 506 of 1,251,936 alleles (0.04%); highest among the groups gnomAD compares: Middle Eastern, 0.42%; 106 homozygotes.

Submissions (2):

CeGaT Center for Human Genetics Tuebingen
Classification: Likely benign. Last evaluated: 2025-05-01. Review status: criteria provided, single submitter. Criteria: CeGaT Center For Human Genetics Tuebingen Variant Classification Criteria Version 2. Collection method: clinical testing. Allele origin: germline. Affected: yes. Observed: 4 variant alleles.
Comment: AHNAK2: BP4, BS2

Ambry Genetics
Classification: Uncertain significance. Last evaluated: 2024-09-11. Review status: criteria provided, single submitter. Criteria: Ambry Variant Classification Scheme 2023. Collection method: clinical testing. Allele origin: germline.